The following is an entry in ClinVar:

ClinVar aggregate classification (germline): Uncertain significance. Review status: criteria provided, multiple submitters, no conflicts (2 of 4 stars). 2 submissions from 2 submitters: Uncertain significance (2). Last evaluated 2026-01-23.

Allele frequency attached by ClinVar (database versions not stated): ExAC 0.00001; gnomAD 0.00001.

Submissions (2):

Labcorp Genetics (formerly Invitae), Labcorp
Classification: Uncertain significance. Last evaluated: 2026-01-23. Review status: criteria provided, single submitter. Criteria: Invitae Variant Classification Sherloc (09022015). Collection method: clinical testing. Allele origin: germline.
Comment: This sequence change replaces arginine, which is basic and polar, with cysteine, which is neutral and slightly polar, at codon 165 of the CCND2 protein (p.Arg165Cys). This variant is present in population databases (rs775067994, gnomAD 0.003%). This variant has not been reported in the literature in individuals affected with CCND2-related conditions. ClinVar contains an entry for this variant (Variation ID: 2446510). Invitae Evidence Modeling of protein sequence and biophysical properties (such as structural, functional, and spatial information, amino acid conservation, physicochemical variation, residue mobility, and thermodynamic stability) indicates that this missense variant is not expected to disrupt CCND2 protein function with a negative predictive value of 80%. In summary, the available evidence is currently insufficient to determine the role of this variant in disease. Therefore, it has been classified as a Variant of Uncertain Significance.

GeneDx
Classification: Uncertain significance. Last evaluated: 2022-09-30. Review status: criteria provided, single submitter. Criteria: GeneDx Variant Classification Process June 2021. Collection method: clinical testing. Allele origin: germline. Affected: yes.
Comment: In silico analysis supports that this missense variant has a deleterious effect on protein structure/function; Has not been previously reported as a pathogenic or benign germline variant to our knowledge; This variant is associated with the following publications: (PMID: 32127467)

NM_001759.4(CCND2):c.493C>T (p.Arg165Cys)

Gene: CCND2 (cyclin D2; plus strand). Cytogenetic location: 12p13.32.
Variant type: single nucleotide variant.
Coding change: c.493C>T on transcript NM_001759.4 (MANE Select); coding-DNA position 493, C replaced by T.
Protein change: p.Arg165Cys; replaces arginine 165 with cysteine.
Molecular consequence: missense variant.
Genome position (GRCh38, 1-based): chr12:4,278,841, C>T. VCF-style: chr12-4278841-C-T. GRCh37 (hg19) VCF-style: chr12-4388007-C-T.
Other names: short protein forms R165C.
Identifiers: ClinVar variation 2446510 (VCV002446510.2), dbSNP rs775067994, ClinGen allele CA6395245.